The following is an entry in ClinVar:

ClinVar aggregate classification (germline): Uncertain significance (1 of 4 stars; one submission).

Allele frequency attached by ClinVar (database versions not stated): gnomAD exomes below 0.00001.
gnomAD v4.1: 1 of 1,614,110 alleles (0.000062%); highest among the groups gnomAD compares: Non-Finnish European, 0.000085%; no homozygotes.

Submission:

GeneDx
Classification: Uncertain significance. Last evaluated: 2015-09-24. Review status: criteria provided, single submitter. Criteria: GeneDx Variant Classification (06012015). Collection method: clinical testing. Allele origin: germline. Affected: yes.
Comment: The c.830 A>G variant has not been published as a pathogenic variant, nor has it been reported as a benign variant to our knowledge. It was not observed in approximately 6,500 individuals of European and African American ancestry in the NHLBI Exome Sequencing Project, indicating it is not a common benign variant in these populations. In silico analysis predicts that c.830 A>G may create a cryptic splice donor site that is upstream of the natural intron 5 splice donor site, which may lead to abnormal splicing. However, in the absence of RNA/functional studies, the actual effect of this sequence change is unknown. If c.830 A>G does not alter splicing it will result in the D277G missense change. The D277G variant is a non-conservative amino acid substitution, which is likely to impact secondary protein structure as these residues differ in polarity, charge, size and/or other properties. This substitution occurs at a position that is conserved across species. In silico analysis is inconsistent in its predictions as to whether or not this variant is damaging to the protein structure/function. Therefore, based on the currently available information, it is unclear whether this variant is a pathogenic variant or a rare benign variant.

NM_021625.5(TRPV4):c.830A>G (p.Asp277Gly)

Gene: TRPV4 (transient receptor potential cation channel subfamily V member 4; minus strand). Cytogenetic location: 12q24.11.
Variant type: single nucleotide variant.
Coding change: c.830A>G on transcript NM_021625.5 (MANE Select); coding-DNA position 830, A replaced by G.
Protein change: p.Asp277Gly; replaces aspartic acid 277 with glycine.
Molecular consequence: missense variant. On other transcripts: intron variant (2).
Genome position (GRCh38, 1-based): chr12:109,800,641, T>C on the plus strand (A>G on the coding strand, the complement: TRPV4 is on the minus strand). VCF-style: chr12-109800641-T-C. GRCh37 (hg19) VCF-style: chr12-110238446-T-C.
Other names: c.728A>G, p.Asp243Gly (NM_001177431.2); c.830A>G, p.Asp277Gly (NM_147204.3); c.713-1729A>G (NM_001177433.1, NM_001177428.1); short protein forms D277G, D243G.
Identifiers: ClinVar variation 245938 (VCV000245938.2), dbSNP rs879254007, ClinGen allele CA10584401.
Genomic context (GRCh38, chr12:109,800,641, plus strand): 5'-CCAGCATGCTGTCAGCCCCCACCAGGCCCCTCCTTACCAAAGTAGAAGTAGCCCCCCTCA[T>C]CCTTGGGCTGGAAGAAGCGCCCACGGGCCTGGGCGTGGACATCAGCTCCCTGGGCCACGA-3'
Protein context (NP_067638.3, residues 267-287): QARGRFFQPK[Asp277Gly]EGGYFYFGEL